The following is an entry in ClinVar:

ClinVar aggregate classification (germline): Uncertain significance (1 of 4 stars; one submission).

Conditions:
Arrhythmogenic right ventricular dysplasia 9 (ARVD9). Also called: ARRHYTHMOGENIC RIGHT VENTRICULAR DYSPLASIA, FAMILIAL, 9; Arrhythmogenic Right Ventricular Dysplasia/Cardiomyopathy 9. Identifiers: MedGen C1836906, MONDO:0012180, OMIM 609040.

Submission:

Victorian Clinical Genetics Services, Murdoch Childrens Research Institute
Classification: Uncertain significance for Arrhythmogenic right ventricular dysplasia 9. Last evaluated: 2025-10-17. Review status: criteria provided, single submitter. Criteria: ACMG Guidelines, 2015. Collection method: clinical testing. Allele origin: germline.
Comment: This variant is classified as VUS-3B. Evidence in support of pathogenic classification: Variant is predicted to cause nonsense-mediated decay (NMD) and loss of protein (premature termination codon is located at least 54 nucleotides upstream of the final exon-exon junction); Variant is absent from gnomAD (v2, v3 and v4). Additional information: This variant is non-coding in an alternative transcript. This variant is coding in NM_004572.3 (isoform 2b), but is non-coding in most other transcripts including the MANE select (isoform 2a). This isoform and the exon this variant is located in have low expression including in heart tissues (GTEx); This variant is heterozygous; This gene is associated with both recessive and dominant disease. Arrhythmogenic right ventricular dysplasia 9 (MIM#609040) is inherited in an autosomal dominant manner while biallelic loss of function variants are associated with severe perinatal and neonatal onset dilated cardiomyopathy (PMIDs: 30562116, 35059364, 38050058); This variant has no previous evidence of pathogenicity; No published evidence of segregation with disease has been identified for this variant; No published functional evidence has been identified for this variant; Other NMD-predicted variants in this exon comparable to the one identified in this case have conflicting previous evidence for pathogenicity. Multiple NMD-predicted variants in this exon have been reported with conflicting VUS and pathogenic classifications in ClinVar, and others only have VUS classifications. - Loss of function is a known mechanism of disease in this gene and is associated with arrhythmogenic right ventricular dysplasia 9 (MIM#609040) and dilated cardiomyopathy (MONDO:0005021), PKP2-related (PanelApp Australia); The autosomal dominant condition associated with this gene has incomplete penetrance (PMIDs: 17010805, 23183494); Variants in this gene that are associated with autosomal dominant arrhythmogenic right ventricular dysplasia 9 (MIM#609040) are known to have variable expressivity (PMIDs: 17010805, 23183494).

Literature cited by the submitters: PubMed 38050058; PubMed 35059364; PubMed 30562116; PubMed 17010805; PubMed 23183494.

NM_001005242.3(PKP2):c.1379-2017del

Gene: PKP2 (plakophilin 2; minus strand). Cytogenetic location: 12p11.21.
Variant type: Deletion.
Coding change: c.1379-2017del on transcript NM_001005242.3 (MANE Select); 2017 bases into the intron before coding-DNA position 1379, one base deleted (G; older notation c.1379-2017delG).
Molecular consequence: intron variant. On other transcripts: frameshift variant (2).
Genome position (GRCh38, 1-based): chr12:32,843,222, C deleted on the plus strand (G on the coding strand, the reverse complement: PKP2 is on the minus strand); the first of 2 consecutive C bases (chr12:32,843,222-32,843,223); deleting either gives the same sequence. VCF-style (leftmost placement, unchanged base first): chr12-32843221-TC-T. GRCh37 (hg19) VCF-style: chr12-32996155-TC-T.
Other names: c.1470del, p.Ile491fs (NM_001407157.1, NM_004572.4); c.1379-2017del (NM_001407156.1, NM_001407155.1, NM_001407161.1); c.1052-2017del (NM_001407160.1, NM_001407159.1, NM_001407158.1 and 1 more transcripts); short protein forms I491fs.
Identifiers: ClinVar variation 4531399 (VCV004531399.1).